The following is an entry in ClinVar:

ClinVar aggregate classification (germline): Pathogenic (1 of 4 stars; one submission).

Conditions:
Hypercholesterolemia, autosomal dominant, type B (FHCL2). Also called: Familial hypercholesterolemia 2; Familial Hypercholesterolemia Type B; APOLIPOPROTEIN B-100, FAMILIAL DEFECTIVE; APOLIPOPROTEIN B-100, FAMILIAL LIGAND-DEFECTIVE; HYPERCHOLESTEROLEMIA, FAMILIAL, DUE TO LIGAND-DEFECTIVE APOLIPOPROTEIN B; Hyperlipoproteinemia Type IIb. Identifiers: MedGen C1704417, MONDO:0007751, OMIM 144010.
Familial hypobetalipoproteinemia 1. Also called: APOB-Related Familial Hypobetalipoproteinemia; Hypobetalipoproteinemia, normotriglyceridemic; Acanthocytosis with hypobetalipoproteinemia. Identifiers: MedGen C4551990, MONDO:0014252, OMIM 615558.

Submission:

Labcorp Genetics (formerly Invitae), Labcorp
Classification: Pathogenic for Familial hypobetalipoproteinemia 1; Hypercholesterolemia, autosomal dominant, type B. Last evaluated: 2022-02-20. Review status: criteria provided, single submitter. Criteria: Invitae Variant Classification Sherloc (09022015). Collection method: clinical testing. Allele origin: germline.
Comment: For these reasons, this variant has been classified as Pathogenic. This variant has not been reported in the literature in individuals affected with APOB-related conditions. This variant is not present in population databases (gnomAD no frequency). This sequence change creates a premature translational stop signal (p.Glu1116Lysfs*68) in the APOB gene. It is expected to result in an absent or disrupted protein product. Loss-of-function variants in APOB are known to be pathogenic (PMID: 20032471).

Literature cited by the submitters: PubMed 20032471.

NM_000384.3(APOB):c.3342_3345del (p.Glu1116fs)

Gene: APOB (apolipoprotein B; minus strand). Cytogenetic location: 2p24.1.
Variant type: Deletion.
Coding change: c.3342_3345del on transcript NM_000384.3 (MANE Select); coding-DNA positions 3342 to 3345, 4 bases deleted (AAAG; older notation c.3342_3345delAAAG).
Protein change: p.Glu1116fs; shifts the reading frame from glutamic acid 1116.
Molecular consequence: frameshift variant.
Genome position (GRCh38, 1-based): chr2:21,015,533-21,015,536, CTTT deleted on the plus strand (AAAG on the coding strand, the reverse complement: APOB is on the minus strand). VCF-style (leftmost placement, unchanged base first): chr2-21015532-CCTTT-C. GRCh37 (hg19) VCF-style: chr2-21238404-CCTTT-C.
Other names: short protein forms E1116fs.
Identifiers: ClinVar variation 2100639 (VCV002100639.4), dbSNP rs2465388342, ClinGen allele CA2580065032.